The following is an entry in ClinVar:

NM_002485.5(NBN):c.1559A>G (p.Asn520Ser)

Gene: NBN (nibrin; minus strand). Cytogenetic location: 8q21.3.
Variant type: single nucleotide variant.
Coding change: c.1559A>G on transcript NM_002485.5 (MANE Select); coding-DNA position 1559, A replaced by G.
Protein change: p.Asn520Ser; replaces asparagine 520 with serine.
Molecular consequence: missense variant.
Genome position (GRCh38, 1-based): chr8:89,953,530, T>C on the plus strand (A>G on the coding strand, the complement: NBN is on the minus strand). VCF-style: chr8-89953530-T-C. GRCh37 (hg19) VCF-style: chr8-90965758-T-C.
Other names: c.1313A>G, p.Asn438Ser (NM_001024688.3); short protein forms N520S, N438S.
Identifiers: ClinVar variation 216565 (VCV000216565.21), dbSNP rs750981708, ClinGen allele CA339215.

ClinVar aggregate classification (germline): Uncertain significance. Review status: criteria provided, multiple submitters, no conflicts (2 of 4 stars). 4 submissions from 4 submitters: Uncertain significance (4). Last evaluated 2024-11-03.

Conditions:
Hereditary cancer-predisposing syndrome. Also called: Tumor predisposition; Hereditary Cancer Syndrome; Neoplastic Syndromes, Hereditary; Hereditary neoplastic syndrome. Identifiers: Orphanet 140162, MedGen C0027672, MeSH D009386, MONDO:0015356.
Microcephaly, normal intelligence and immunodeficiency (NBS). Also called: Nijmegen breakage syndrome; Microcephaly with normal intelligence immunodeficiency and lymphoreticular malignancies; Nonsyndromal microcephaly autosomal recessive with normal intelligence; Seemanova syndrome 2; BERLIN BREAKAGE SYNDROME; IMMUNODEFICIENCY, MICROCEPHALY, AND CHROMOSOMAL INSTABILITY. Identifiers: Orphanet 647, MedGen C0398791, MONDO:0009623, OMIM 251260.

Allele frequency attached by ClinVar (database versions not stated): gnomAD exomes below 0.00001; ExAC 0.00001; gnomAD 0.00001; TOPMed 0.00002.
gnomAD v4.1: 3 of 1,613,736 alleles (0.00019%); highest among the groups gnomAD compares: Non-Finnish European, 0.00025%; no homozygotes.

Submissions (4):

Ambry Genetics
Classification: Uncertain significance for Hereditary cancer-predisposing syndrome. Last evaluated: 2024-11-03. Review status: criteria provided, single submitter. Criteria: Ambry Variant Classification Scheme 2023. Collection method: clinical testing. Allele origin: germline.
Comment: The p.N520S variant (also known as c.1559A>G), located in coding exon 11 of the NBN gene, results from an A to G substitution at nucleotide position 1559. The asparagine at codon 520 is replaced by serine, an amino acid with highly similar properties. This amino acid position is well conserved in available vertebrate species. In addition, this alteration is predicted to be tolerated by in silico analysis. Since supporting evidence is limited at this time, the clinical significance of this alteration remains unclear.

GeneDx
Classification: Uncertain significance. Last evaluated: 2023-02-22. Review status: criteria provided, single submitter. Criteria: GeneDx Variant Classification Process June 2021. Collection method: clinical testing. Allele origin: germline. Affected: yes.
Comment: Not observed at significant frequency in large population cohorts (gnomAD); In silico analysis supports that this missense variant does not alter protein structure/function; Has not been previously published as pathogenic or benign to our knowledge; This variant is associated with the following publications: (PMID: 29872714)

Labcorp Genetics (formerly Invitae), Labcorp
Classification: Uncertain significance for Microcephaly, normal intelligence and immunodeficiency. Last evaluated: 2022-10-12. Review status: criteria provided, single submitter. Criteria: Invitae Variant Classification Sherloc (09022015). Collection method: clinical testing. Allele origin: germline.
Comment: Algorithms developed to predict the effect of missense changes on protein structure and function (SIFT, PolyPhen-2, Align-GVGD) all suggest that this variant is likely to be tolerated. ClinVar contains an entry for this variant (Variation ID: 216565). This variant has not been reported in the literature in individuals affected with NBN-related conditions. This variant is present in population databases (rs750981708, gnomAD 0.0009%). This sequence change replaces asparagine, which is neutral and polar, with serine, which is neutral and polar, at codon 520 of the NBN protein (p.Asn520Ser). In summary, the available evidence is currently insufficient to determine the role of this variant in disease. Therefore, it has been classified as a Variant of Uncertain Significance.

Genome-Nilou Lab
Classification: Uncertain significance for Microcephaly, normal intelligence and immunodeficiency. Last evaluated: 2021-11-07. Review status: criteria provided, single submitter. Criteria: ACMG Guidelines, 2015. Collection method: clinical testing. Allele origin: germline. Affected: no.